The following is an entry in ClinVar:

NM_005045.4(RELN):c.843C>A (p.Ser281Arg)

Gene: RELN (reelin; minus strand). Cytogenetic location: 7q22.1.
Variant type: single nucleotide variant.
Coding change: c.843C>A on transcript NM_005045.4 (MANE Select); coding-DNA position 843, C replaced by A.
Protein change: p.Ser281Arg; replaces serine 281 with arginine.
Molecular consequence: missense variant.
Genome position (GRCh38, 1-based): chr7:103,700,969, G>T on the plus strand (C>A on the coding strand, the complement: RELN is on the minus strand). VCF-style: chr7-103700969-G-T. GRCh37 (hg19) VCF-style: chr7-103341416-G-T.
Other names: c.843C>A, p.Ser281Arg (NM_173054.3); short protein forms S281R.
Identifiers: ClinVar variation 2952052 (VCV002952052.3), dbSNP rs1277811940, ClinGen allele CA368928085.

ClinVar aggregate classification (germline): Uncertain significance (1 of 4 stars; one submission).

Conditions:
Norman-Roberts syndrome (LIS2). Also called: Lissencephaly 2 (Norman-Roberts type). Identifiers: Orphanet 89844, MedGen C0796089, MONDO:0009760, OMIM 257320.
Familial temporal lobe epilepsy 7. Identifiers: Orphanet 101046, MedGen C4225327, MONDO:0014639, OMIM 616436.

Submission:

Labcorp Genetics (formerly Invitae), Labcorp
Classification: Uncertain significance for Familial temporal lobe epilepsy 7; Norman-Roberts syndrome. Last evaluated: 2025-06-12. Review status: criteria provided, single submitter. Criteria: Invitae Variant Classification Sherloc (09022015). Collection method: clinical testing. Allele origin: germline.
Comment: This sequence change replaces serine, which is neutral and polar, with arginine, which is basic and polar, at codon 281 of the RELN protein (p.Ser281Arg). This variant is not present in population databases (gnomAD no frequency). This variant has not been reported in the literature in individuals affected with RELN-related conditions. ClinVar contains an entry for this variant (Variation ID: 2952052). Invitae Evidence Modeling of protein sequence and biophysical properties (such as structural, functional, and spatial information, amino acid conservation, physicochemical variation, residue mobility, and thermodynamic stability) indicates that this missense variant is not expected to disrupt RELN protein function with a negative predictive value of 80%. In summary, the available evidence is currently insufficient to determine the role of this variant in disease. Therefore, it has been classified as a Variant of Uncertain Significance.